The following is an entry in ClinVar:

NM_030962.4(SBF2):c.3770G>A (p.Arg1257Lys)

Gene: SBF2 (SET binding factor 2; minus strand). Cytogenetic location: 11p15.4.
Variant type: single nucleotide variant.
Coding change: c.3770G>A on transcript NM_030962.4 (MANE Select); coding-DNA position 3770, G replaced by A.
Protein change: p.Arg1257Lys; replaces arginine 1257 with lysine.
Molecular consequence: missense variant.
Genome position (GRCh38, 1-based): chr11:9,829,379, C>T on the plus strand (G>A on the coding strand, the complement: SBF2 is on the minus strand). VCF-style: chr11-9829379-C-T. GRCh37 (hg19) VCF-style: chr11-9850926-C-T.
Other names: c.3770G>A, p.Arg1257Lys (NM_001386339.1); c.3641G>A, p.Arg1214Lys (NM_001386342.1); short protein forms R1214K, R1257K.
Identifiers: ClinVar variation 1063743 (VCV001063743.6), dbSNP rs775982886, ClinGen allele CA379645197.
Genomic context (GRCh38, chr11:9,829,379, plus strand): 5'-AGAAGCTGTCAAGAAGAAAAGTATTATCAAATCTTACCTGGAGATAGAGCAAAGGCTGGC[C>T]TGACAGTAAGAGTGCTGTTGCCTCTGAGTTTCTGATGGACAGAAACAGCATTCAGTAAGG-3'
Protein context (NP_112224.1, residues 1247-1267): KLRGNSTLTV[Arg1257Lys]PAFALSPGVW

ClinVar aggregate classification (germline): Uncertain significance (1 of 4 stars; one submission).

Conditions:
Charcot-Marie-Tooth disease type 4. Also called: Charcot-Marie-Tooth, Type 4; Charcot-Marie-Tooth disease, type IV. Identifiers: Orphanet 64749, MedGen C4082197, MONDO:0018995.

Allele frequency attached by ClinVar (database versions not stated): gnomAD exomes below 0.00001; gnomAD 0.00001; TOPMed 0.00002.
gnomAD v4.1: 7 of 1,614,020 alleles (0.00043%); highest among the groups gnomAD compares: African/African-American, 0.0067%; no homozygotes.

Submission:

Labcorp Genetics (formerly Invitae), Labcorp
Classification: Uncertain significance for Charcot-Marie-Tooth disease type 4. Last evaluated: 2022-01-15. Review status: criteria provided, single submitter. Criteria: Invitae Variant Classification Sherloc (09022015). Collection method: clinical testing. Allele origin: germline.
Comment: This sequence change replaces arginine, which is basic and polar, with lysine, which is basic and polar, at codon 1257 of the SBF2 protein (p.Arg1257Lys). This variant is not present in population databases (gnomAD no frequency). This variant has not been reported in the literature in individuals affected with SBF2-related conditions. ClinVar contains an entry for this variant (Variation ID: 1063743). Algorithms developed to predict the effect of missense changes on protein structure and function output the following: SIFT: "Tolerated"; PolyPhen-2: "Benign"; Align-GVGD: "Class C0". The lysine amino acid residue is found in multiple mammalian species, which suggests that this missense change does not adversely affect protein function. Algorithms developed to predict the effect of sequence changes on RNA splicing suggest that this variant may create or strengthen a splice site. In summary, the available evidence is currently insufficient to determine the role of this variant in disease. Therefore, it has been classified as a Variant of Uncertain Significance.